The following is an entry in ClinVar:

NM_001844.5(COL2A1):c.1A>G (p.Met1Val)

Gene: COL2A1 (collagen type II alpha 1 chain; minus strand). Cytogenetic location: 12q13.11.
Variant type: single nucleotide variant.
Coding change: c.1A>G on transcript NM_001844.5 (MANE Select); coding-DNA position 1, A replaced by G.
Protein change: p.Met1Val; changes the start codon (methionine 1).
Molecular consequence: missense variant, initiator codon variant.
Genome position (GRCh38, 1-based): chr12:48,004,321, T>C on the plus strand (A>G on the coding strand, the complement: COL2A1 is on the minus strand). VCF-style: chr12-48004321-T-C. GRCh37 (hg19) VCF-style: chr12-48398104-T-C.
Other names: c.1A>G, p.Met1Val (NM_033150.3); short protein forms M1V.
Identifiers: ClinVar variation 1074468 (VCV001074468.11), dbSNP rs2136652928, ClinGen allele CA384528522.

ClinVar aggregate classification (germline): Pathogenic. Review status: criteria provided, multiple submitters, no conflicts (2 of 4 stars). 4 submissions from 4 submitters: Pathogenic (4). Last evaluated 2025-05-12.

Conditions:
COL2A1-related disorder. Also called: COL2A1-related condition; COL2A1-related disorders.
Namaqualand hip dysplasia (OSCDP). Also called: Mild spondyloepiphyseal dysplasia due to COL2A1 mutation with early-onset osteoarthritis. Identifiers: Orphanet 93279, MedGen C0432214, MONDO:0011496, OMIM 604864.
Spondyloepiphyseal dysplasia congenita (SEDC). Also called: SED CONGENITA; SPONDYLOEPIPHYSEAL DYSPLASIA, CONGENITAL TYPE. Identifiers: Orphanet 94068, MedGen C2745959, MONDO:0008471, OMIM 183900.
Achondrogenesis type II (ACG2). Also called: CHONDROGENESIS IMPERFECTA; ACHONDROGENESIS, LANGER-SALDINO TYPE. Identifiers: Orphanet 932, Orphanet 93296, MedGen C0220685, MONDO:0008702, OMIM 200610.
Multiple epiphyseal dysplasia, Beighton type. Identifiers: Orphanet 166011, MedGen C1851536, MONDO:0007562, OMIM 132450.
Stickler syndrome, type I, nonsyndromic ocular. Also called: STICKLER SYNDROME, TYPE I, PREDOMINANTLY OCULAR; STICKLER SYNDROME, ATYPICAL. Identifiers: MedGen C1836080, MONDO:0012287, OMIM 609508.
Spondyloepimetaphyseal dysplasia, Strudwick type (SEMDSTWK). Also called: STRUDWICK SYNDROME; DAPPLED METAPHYSIS SYNDROME. Identifiers: Orphanet 93346, MedGen C0700635, MONDO:0008476, OMIM 184250.
Spondyloepiphyseal dysplasia, Stanescu type. Also called: SED, STANESCU TYPE; SPONDYLOEPIMETAPHYSEAL DYSPLASIA, STANESCU TYPE. Identifiers: Orphanet 459051, MedGen C4225273, MONDO:0014701, OMIM 616583.
Spondyloperipheral dysplasia. Also called: SPONDYLOPERIPHERAL DYSPLASIA WITH SHORT ULNA; Spondyloperipheral dysplasia-short ulna syndrome. Identifiers: Orphanet 1856, MedGen C0796173, MONDO:0010078, OMIM 271700.
Stickler syndrome type 1 (STL1). Also called: STICKLER SYNDROME, MEMBRANOUS VITREOUS TYPE; STICKLER SYNDROME, VITREOUS TYPE 1; ARTHROOPHTHALMOPATHY, HEREDITARY PROGRESSIVE; COL2A1-Related Stickler Syndrome. Identifiers: Orphanet 828, Orphanet 90653, MedGen C2020284, MONDO:0007160, OMIM 108300.
Platyspondylic dysplasia, Torrance type (PLSDT). Identifiers: Orphanet 85166, MedGen C1835437, MONDO:0007895, OMIM 151210.
Spondyloepiphyseal dysplasia with metatarsal shortening. Also called: CZECH DYSPLASIA, METATARSAL TYPE; SPONDYLOEPIPHYSEAL DYSPLASIA WITH PRECOCIOUS OSTEOARTHRITIS; Pseudorheumatoid dysplasia progressive, with hypoplastic toes. Identifiers: Orphanet 137678, MedGen C1836683, MONDO:0012206, OMIM 609162.
Avascular necrosis of femoral head, primary, 1 (ANFH1). Also called: Avascular necrosis of femoral head, primary. Identifiers: Orphanet 86820, MedGen C4551562, MONDO:0054550, OMIM 608805.
Legg-Calve-Perthes disease. Also called: PERTHES DISEASE; Avascular necrosis of the capital femoral epiphysis; Osteochondritis deformans; Coxa plana. Identifiers: Orphanet 2380, MedGen C1442965, MONDO:0007885, OMIM 150600, HP:0005743.
Kniest dysplasia. Identifiers: Orphanet 485, MedGen C0265279, MONDO:0007987, OMIM 156550.
Vitreoretinopathy with phalangeal epiphyseal dysplasia (VPED). Identifiers: MedGen C1852989, MONDO:0031001, OMIM 619248.

Submissions (4):

Labcorp Genetics (formerly Invitae), Labcorp
Classification: Pathogenic. Last evaluated: 2025-05-12. Review status: criteria provided, single submitter. Criteria: Invitae Variant Classification Sherloc (09022015). Collection method: clinical testing. Allele origin: germline.
Comment: This sequence change affects the initiator codon of the COL2A1 mRNA. This change may impact translation initiation or efficiency. The next in-frame methionine is located at codon 183. This variant is not present in population databases (gnomAD no frequency). Disruption of the initiator codon has been observed in individuals with Stickler syndrome (PMID: 17437277, 20513134). It has also been observed to segregate with disease in related individuals. ClinVar contains an entry for this variant (Variation ID: 1074468). This variant disrupts a region of the COL2A1 protein in which other variant(s) (p.Cys75Phe) have been observed in individuals with COL2A1-related conditions (internal data). This suggests that this is a clinically significant region of the protein, and that variants that disrupt it are likely to be disease-causing. For these reasons, this variant has been classified as Pathogenic.

Fulgent Genetics
Classification: Pathogenic for Stickler syndrome type 1; Multiple epiphyseal dysplasia, Beighton type; Legg-Calve-Perthes disease; Platyspondylic dysplasia, Torrance type; Kniest dysplasia; Spondyloepiphyseal dysplasia congenita; Spondyloepimetaphyseal dysplasia, Strudwick type; Achondrogenesis type II; Spondyloperipheral dysplasia; Namaqualand hip dysplasia; Avascular necrosis of femoral head, primary, 1; Spondyloepiphyseal dysplasia with metatarsal shortening; Stickler syndrome, type I, nonsyndromic ocular; Spondyloepiphyseal dysplasia, Stanescu type; Vitreoretinopathy with phalangeal epiphyseal dysplasia. Last evaluated: 2024-05-09. Review status: criteria provided, single submitter. Criteria: ACMG Guidelines, 2015. Collection method: clinical testing. Allele origin: germline.

GeneDx
Classification: Pathogenic. Last evaluated: 2022-01-31. Review status: criteria provided, single submitter. Criteria: GeneDx Variant Classification Process June 2021. Collection method: clinical testing. Allele origin: germline. Affected: yes.
Comment: Identified in one individual (reported as c.1 A>G; p.(M1?)) with a membranous phenotype consistent with Stickler syndrome or another COL2A1-related disorder (Richards et al., 2010); Not observed in large population cohorts (gnomAD); Initiation codon variant in a gene for which loss-of-function is a known mechanism of disease; This variant is associated with the following publications: (PMID: 17437277, 20513134)

Blueprint Genetics
Classification: Pathogenic for COL2A1-related disorders. Last evaluated: 2021-07-13. Review status: criteria provided, single submitter. Criteria: ACMG Guidelines, 2015. Collection method: clinical testing. Allele origin: germline. Affected: yes. Observed: 2 variant alleles.

Literature cited by the submitters: PubMed 17437277 (cited by Labcorp Genetics (formerly Invitae), Labcorp); PubMed 20513134 (cited by Labcorp Genetics (formerly Invitae), Labcorp).